The following is an entry in ClinVar:

ClinVar aggregate classification (germline): Uncertain significance (1 of 4 stars; one submission).

Conditions:
Colorectal cancer, hereditary nonpolyposis, type 7. Identifiers: Orphanet 144, MedGen C1858380, MONDO:0013725, OMIM 614385.

Allele frequency attached by ClinVar (database versions not stated): gnomAD exomes below 0.00001.
gnomAD v4.1: 2 of 1,614,118 alleles (0.00012%); highest among the groups gnomAD compares: Non-Finnish European, 0.00017%; no homozygotes.

Submission:

Labcorp Genetics (formerly Invitae), Labcorp
Classification: Uncertain significance for Colorectal cancer, hereditary nonpolyposis, type 7. Last evaluated: 2023-12-02. Review status: criteria provided, single submitter. Criteria: Invitae Variant Classification Sherloc (09022015). Collection method: clinical testing. Allele origin: germline.
Comment: This sequence change replaces serine, which is neutral and polar, with asparagine, which is neutral and polar, at codon 957 of the MLH3 protein (p.Ser957Asn). This variant is not present in population databases (gnomAD no frequency). This variant has not been reported in the literature in individuals affected with MLH3-related conditions. Algorithms developed to predict the effect of missense changes on protein structure and function output the following: SIFT: "Not Available"; PolyPhen-2: "Benign"; Align-GVGD: "Not Available". The asparagine amino acid residue is found in multiple mammalian species, which suggests that this missense change does not adversely affect protein function. In summary, the available evidence is currently insufficient to determine the role of this variant in disease. Therefore, it has been classified as a Variant of Uncertain Significance.

NM_001040108.2(MLH3):c.2870G>A (p.Ser957Asn)

Gene: MLH3 (mutL homolog 3; minus strand). Cytogenetic location: 14q24.3.
Variant type: single nucleotide variant.
Coding change: c.2870G>A on transcript NM_001040108.2 (MANE Select); coding-DNA position 2870, G replaced by A.
Protein change: p.Ser957Asn; replaces serine 957 with asparagine.
Molecular consequence: missense variant.
Genome position (GRCh38, 1-based): chr14:75,046,786, C>T on the plus strand (G>A on the coding strand, the complement: MLH3 is on the minus strand). VCF-style: chr14-75046786-C-T. GRCh37 (hg19) VCF-style: chr14-75513489-C-T.
Other names: c.2870G>A, p.Ser957Asn (NM_014381.3); short protein forms S957N.
Identifiers: ClinVar variation 3023765 (VCV003023765.3), dbSNP rs2503259040, ClinGen allele CA390437915.